The following is an entry in ClinVar:

ClinVar aggregate classification (germline): Uncertain significance. Review status: criteria provided, multiple submitters, no conflicts (2 of 4 stars). 2 submissions from 2 submitters: Uncertain significance (2). Last evaluated 2024-08-20.

Conditions:
Hereditary cancer-predisposing syndrome. Also called: Neoplastic Syndromes, Hereditary; Tumor predisposition; Hereditary Cancer Syndrome; Hereditary neoplastic syndrome. Identifiers: Orphanet 140162, MedGen C0027672, MeSH D009386, MONDO:0015356.
Ataxia-telangiectasia syndrome (AT). Also called: LOUIS-BAR SYNDROME; Cerebello-oculocutaneous telangiectasia; Immunodeficiency with ataxia telangiectasia; Ataxia-telangiectasia, complementation group D; AT, COMPLEMENTATION GROUP C; ATAXIA-TELANGIECTASIA, COMPLEMENTATION GROUP A. Identifiers: Orphanet 100, MedGen C0004135, MONDO:0008840, OMIM 208900.

Submissions (2):

Labcorp Genetics (formerly Invitae), Labcorp
Classification: Uncertain significance for Ataxia-telangiectasia syndrome. Last evaluated: 2024-08-20. Review status: criteria provided, single submitter. Criteria: Invitae Variant Classification Sherloc (09022015). Collection method: clinical testing. Allele origin: germline.
Comment: This sequence change replaces histidine, which is basic and polar, with proline, which is neutral and non-polar, at codon 1624 of the ATM protein (p.His1624Pro). This variant is not present in population databases (gnomAD no frequency). This variant has not been reported in the literature in individuals affected with ATM-related conditions. ClinVar contains an entry for this variant (Variation ID: 1743719). An algorithm developed to predict the effect of missense changes on protein structure and function (PolyPhen-2) suggests that this variant is likely to be disruptive. In summary, the available evidence is currently insufficient to determine the role of this variant in disease. Therefore, it has been classified as a Variant of Uncertain Significance.

Ambry Genetics
Classification: Uncertain significance for Hereditary cancer-predisposing syndrome. Last evaluated: 2023-12-22. Review status: criteria provided, single submitter. Criteria: Ambry Variant Classification Scheme 2023. Collection method: clinical testing. Allele origin: germline.
Comment: The p.H1624P variant (also known as c.4871A>C), located in coding exon 31 of the ATM gene, results from an A to C substitution at nucleotide position 4871. The histidine at codon 1624 is replaced by proline, an amino acid with similar properties. This amino acid position is conserved. In addition, the in silico prediction for this alteration is inconclusive. Since supporting evidence is limited at this time, the clinical significance of this alteration remains unclear.

NM_000051.4(ATM):c.4871A>C (p.His1624Pro)

Gene: ATM (ATM serine/threonine kinase; plus strand). Cytogenetic location: 11q22.3.
Variant type: single nucleotide variant.
Coding change: c.4871A>C on transcript NM_000051.4 (MANE Select); coding-DNA position 4871, A replaced by C.
Protein change: p.His1624Pro; replaces histidine 1624 with proline.
Molecular consequence: missense variant.
Genome position (GRCh38, 1-based): chr11:108,295,021, A>C. VCF-style: chr11-108295021-A-C. GRCh37 (hg19) VCF-style: chr11-108165748-A-C.
Other names: c.4871A>C, p.His1624Pro (NM_001351834.2); short protein forms H1624P.
Identifiers: ClinVar variation 1743719 (VCV001743719.4), dbSNP rs56354559, ClinGen allele CA382537117.
Genomic context (GRCh38, chr11:108,295,021, plus strand): 5'-ATGCACTTCCATTGACAAGACTTGAAGGACTAAAGGATCTTCGAAGACAACTGGAACTAC[A>C]TAAAGATCAGATGGTGGACATTATGAGAGCTTCTCAGGGTGCTAATTTTAAATGACATGG-3'
Protein context (NP_000042.3, residues 1614-1634): LKDLRRQLEL[His1624Pro]KDQMVDIMRA